The following is an entry in ClinVar:

ClinVar aggregate classification (germline): Benign/Likely benign. Review status: criteria provided, multiple submitters, no conflicts (2 of 4 stars). 3 submissions from 3 submitters: Benign (1); Likely benign (2). Last evaluated 2024-10-10.

Conditions:
Hereditary diffuse gastric adenocarcinoma (HDGC). Also called: DIFFUSE GASTRIC AND LOBULAR BREAST CANCER SYNDROME. Identifiers: Orphanet 26106, MedGen C1708349, MONDO:0007648, OMIM 137215.

Submissions (3):

Myriad Genetics, Inc.
Classification: Benign for Hereditary diffuse gastric adenocarcinoma. Last evaluated: 2024-10-10. Review status: criteria provided, single submitter. Criteria: Myriad Autosomal Dominant, Autosomal Recessive and X-Linked Classification Criteria (2023). Collection method: clinical testing. Allele origin: unknown.
Comment: This variant is considered benign. This variant is a silent/synonymous amino acid change and it is not expected to impact splicing.

Labcorp Genetics (formerly Invitae), Labcorp
Classification: Likely benign. Last evaluated: 2024-05-13. Review status: criteria provided, single submitter. Criteria: Invitae Variant Classification Sherloc (09022015). Collection method: clinical testing. Allele origin: germline.

Breakthrough Genomics
Classification: Likely benign. Review status: criteria provided, single submitter. Criteria: ACMG Guidelines, 2015. Collection method: not provided. Allele origin: germline. Inheritance: Autosomal dominant inheritance. Affected: yes.

NM_001903.5(CTNNA1):c.984C>T (p.Asp328=)

Gene: CTNNA1 (catenin alpha 1; plus strand). Cytogenetic location: 5q31.2.
Variant type: single nucleotide variant.
Coding change: c.984C>T on transcript NM_001903.5 (MANE Select); coding-DNA position 984, C replaced by T.
Protein change: p.Asp328=; no amino-acid change (aspartic acid 328 retained).
Molecular consequence: synonymous variant.
Genome position (GRCh38, 1-based): chr5:138,827,640, C>T. VCF-style: chr5-138827640-C-T. GRCh37 (hg19) VCF-style: chr5-138163329-C-T.
Other names: c.984C>T, p.Asp328= (NM_001290307.3, NM_001323982.2, NM_001323983.1 and 3 more transcripts); c.675C>T, p.Asp225= (NM_001290309.3); c.615C>T, p.Asp205= (NM_001290310.3).
Identifiers: ClinVar variation 1131008 (VCV001131008.11), dbSNP rs2149785868, ClinGen allele CA446595479.